The following is an entry in ClinVar:

ClinVar aggregate classification (germline): Uncertain significance (1 of 4 stars; one submission).

Conditions:
Mendelian susceptibility to mycobacterial diseases due to partial STAT1 deficiency. Also called: IMMUNODEFICIENCY 31A, MYCOBACTERIOSIS, AUTOSOMAL DOMINANT; STAT1 DEFICIENCY, AUTOSOMAL DOMINANT; Immunodeficiency 31a. Identifiers: Orphanet 319595, MedGen C4013950, MONDO:0013956, OMIM 614892.
Autoimmune enteropathy and endocrinopathy - susceptibility to chronic infections syndrome. Also called: Immunodeficiency 31C, autosomal dominant; Immunodeficiency 31C. Identifiers: Orphanet 391487, MedGen C3279990, MONDO:0013599, OMIM 614162.
Immunodeficiency 31B. Also called: IMMUNODEFICIENCY 31B, MYCOBACTERIAL AND VIRAL INFECTIONS, AUTOSOMAL RECESSIVE; STAT1 DEFICIENCY, AUTOSOMAL RECESSIVE. Identifiers: Orphanet 391311, MedGen C3151088, MONDO:0013427, OMIM 613796.

Submission:

Labcorp Genetics (formerly Invitae), Labcorp
Classification: Uncertain significance for Mendelian susceptibility to mycobacterial diseases due to partial STAT1 deficiency; Immunodeficiency 31B; Autoimmune enteropathy and endocrinopathy - susceptibility to chronic infections syndrome. Last evaluated: 2025-04-28. Review status: criteria provided, single submitter. Criteria: Invitae Variant Classification Sherloc (09022015). Collection method: clinical testing. Allele origin: germline.
Comment: This sequence change replaces leucine, which is neutral and non-polar, with proline, which is neutral and non-polar, at codon 484 of the STAT1 protein (p.Leu484Pro). This variant is not present in population databases (gnomAD no frequency). This variant has not been reported in the literature in individuals affected with STAT1-related conditions. An algorithm developed to predict the effect of missense changes on protein structure and function (PolyPhen-2) suggests that this variant is likely to be disruptive. In summary, the available evidence is currently insufficient to determine the role of this variant in disease. Therefore, it has been classified as a Variant of Uncertain Significance.

NM_007315.4(STAT1):c.1451T>C (p.Leu484Pro)

Gene: STAT1 (signal transducer and activator of transcription 1; minus strand). Cytogenetic location: 2q32.2.
Variant type: single nucleotide variant.
Coding change: c.1451T>C on transcript NM_007315.4 (MANE Select); coding-DNA position 1451, T replaced by C.
Protein change: p.Leu484Pro; replaces leucine 484 with proline.
Molecular consequence: missense variant.
Genome position (GRCh38, 1-based): chr2:190,982,514, A>G on the plus strand (T>C on the coding strand, the complement: STAT1 is on the minus strand). VCF-style: chr2-190982514-A-G. GRCh37 (hg19) VCF-style: chr2-191847240-A-G.
Other names: c.1391T>C, p.Leu464Pro (NM_001384880.1); c.1457T>C, p.Leu486Pro (NM_001384881.1, NM_001384884.1); c.1445T>C, p.Leu482Pro (NM_001384882.1); c.1352T>C, p.Leu451Pro (NM_001384883.1); c.1292T>C, p.Leu431Pro (NM_001384885.1); c.1451T>C, p.Leu484Pro (NM_001384886.1, NM_001384889.1, NM_001437284.1 and 1 more transcripts); c.1358T>C, p.Leu453Pro (NM_001384887.1); c.1421T>C, p.Leu474Pro (NM_001384888.1); and 2 more; short protein forms L496P, L464P, L474P, L431P, L451P, L453P, L454P, L486P.
Identifiers: ClinVar variation 4784860 (VCV004784860.1).